The following is an entry in ClinVar:

ClinVar aggregate classification (germline): Uncertain significance. Review status: criteria provided, multiple submitters, no conflicts (2 of 4 stars). 5 submissions from 5 submitters: Uncertain significance (5). Last evaluated 2025-12-21.

Conditions:
Familial thoracic aortic aneurysm and aortic dissection (TAAD). Also called: Thoracic aortic aneurysms and dissections. Identifiers: Orphanet 91387, MedGen C4707243, MONDO:0019625.
Aortic aneurysm, familial thoracic 4 (AAT4). Also called: AORTIC ANEURYSM/AORTIC DISSECTION AND PATENT DUCTUS ARTERIOSUS. Identifiers: MedGen C1851504, MONDO:0007568, OMIM 132900.

Allele frequency attached by ClinVar (database versions not stated): gnomAD exomes below 0.00001; gnomAD 0.00002 and 0.00003; TOPMed 0.00005.
gnomAD v4.1: 9 of 1,609,600 alleles (0.00056%); highest among the groups gnomAD compares: African/African-American, 0.011%; no homozygotes.

Submissions (5):

Labcorp Genetics (formerly Invitae), Labcorp
Classification: Uncertain significance for Aortic aneurysm, familial thoracic 4. Last evaluated: 2025-12-21. Review status: criteria provided, single submitter. Criteria: Invitae Variant Classification Sherloc (09022015). Collection method: clinical testing. Allele origin: germline.
Comment: This sequence change replaces aspartic acid, which is acidic and polar, with valine, which is neutral and non-polar, at codon 943 of the MYH11 protein (p.Asp943Val). This variant is present in population databases (no rsID available, gnomAD 0.008%). This variant has not been reported in the literature in individuals affected with MYH11-related conditions. ClinVar contains an entry for this variant (Variation ID: 921412). Invitae Evidence Modeling of protein sequence and biophysical properties (such as structural, functional, and spatial information, amino acid conservation, physicochemical variation, residue mobility, and thermodynamic stability) indicates that this missense variant is not expected to disrupt MYH11 protein function with a negative predictive value of 95%. In summary, the available evidence is currently insufficient to determine the role of this variant in disease. Therefore, it has been classified as a Variant of Uncertain Significance.

Ambry Genetics
Classification: Uncertain significance for Familial thoracic aortic aneurysm and aortic dissection. Last evaluated: 2024-11-20. Review status: criteria provided, single submitter. Criteria: Ambry Variant Classification Scheme 2023. Collection method: clinical testing. Allele origin: germline.

Color Diagnostics, LLC DBA Color Health
Classification: Uncertain significance for Familial thoracic aortic aneurysm and aortic dissection. Last evaluated: 2024-03-06. Review status: criteria provided, single submitter. Criteria: ACMG Guidelines, 2015. Collection method: clinical testing. Allele origin: germline.
Comment: This missense variant replaces aspartic acid with valine at codon 943 of the MYH11 protein. Computational prediction is inconclusive regarding the impact of this variant on protein structure and function (internally defined REVEL score threshold 0.5 < inconclusive < 0.7, PMID: 27666373). To our knowledge, functional studies have not been reported for this variant. This variant has not been reported in individuals affected with MYH11-related disorders in the literature. This variant has been identified in 2/279806 chromosomes in the general population by the Genome Aggregation Database (gnomAD). The available evidence is insufficient to determine the role of this variant in disease conclusively. Therefore, this variant is classified as a Variant of Uncertain Significance.

All of Us Research Program, National Institutes of Health
Classification: Uncertain significance for Familial thoracic aortic aneurysm and aortic dissection. Last evaluated: 2023-12-01. Review status: criteria provided, single submitter. Criteria: ACMG Guidelines, 2015. Collection method: clinical testing. Allele origin: germline. Inheritance: Autosomal dominant inheritance. Observed: 4 variant alleles, 4 heterozygotes.
Comment: This missense variant replaces aspartic acid with valine at codon 943 of the MYH11 protein. Computational prediction is inconclusive regarding the impact of this variant on protein structure and function (internally defined REVEL score threshold 0.5 < inconclusive < 0.7, PMID: 27666373). To our knowledge, functional studies have not been reported for this variant. This variant has not been reported in individuals affected with cardiovascular disorders in the literature. This variant has been identified in 2/279806 chromosomes in the general population by the Genome Aggregation Database (gnomAD). The available evidence is insufficient to determine the role of this variant in disease conclusively. Therefore, this variant is classified as a Variant of Uncertain Significance.

This study involves interpretation of variants in research participants for the purpose of population health screening. Participant phenotype was not available at the time of variant classification. Additional details can be found in publication PMID: 35346344, PMCID: PMC8962531

AiLife Diagnostics
Classification: Uncertain significance. Last evaluated: 2021-12-15. Review status: criteria provided, single submitter. Criteria: ACMG Guidelines, 2015. Collection method: clinical testing. Allele origin: germline. Affected: yes. Observed: 1 variant allele.

NM_002474.3(MYH11):c.2807A>T (p.Asp936Val)

Gene: MYH11 (myosin heavy chain 11; minus strand). Cytogenetic location: 16p13.11.
Variant type: single nucleotide variant.
Coding change: c.2807A>T on transcript NM_002474.3 (MANE Select); coding-DNA position 2807, A replaced by T.
Protein change: p.Asp936Val; replaces aspartic acid 936 with valine.
Molecular consequence: missense variant.
Genome position (GRCh38, 1-based): chr16:15,741,515, T>A on the plus strand (A>T on the coding strand, the complement: MYH11 is on the minus strand). VCF-style: chr16-15741515-T-A. GRCh37 (hg19) VCF-style: chr16-15835372-T-A.
Other names: c.2807A>T (NM_002474.2); c.2828A>T, p.Asp943Val (NM_001040113.2, NM_001040114.2); c.2807A>T, p.Asp936Val (NM_022844.3); short protein forms D936V, D943V.
Identifiers: ClinVar variation 921412 (VCV000921412.11), dbSNP rs1341541765, ClinGen allele CA394865015.